The following is an entry in ClinVar:

NM_000057.4(BLM):c.2868_2869insTCCG (p.Asp957fs)

Gene: BLM (BLM RecQ like helicase; plus strand). Cytogenetic location: 15q26.1.
Variant type: Insertion.
Coding change: c.2868_2869insTCCG on transcript NM_000057.4 (MANE Select); coding-DNA positions 2868 to 2869, TCCG inserted.
Protein change: p.Asp957fs; shifts the reading frame from aspartic acid 957.
Molecular consequence: frameshift variant.
Genome position: GRCh38 VCF-style: chr15-90790690-A-ACCGT. GRCh37 (hg19) VCF-style: chr15-91333920-A-ACCGT.
Other names: c.2868_2869insTCCG, p.Asp957fs (NM_001287246.2, NM_001287247.2); c.1743_1744insTCCG, p.Asp582fs (NM_001287248.2); short protein forms D957fs, D582fs.
Identifiers: ClinVar variation 2717702 (VCV002717702.3), dbSNP rs2505516147, ClinGen allele CA2697549386.

ClinVar aggregate classification (germline): Pathogenic (1 of 4 stars; one submission).

Conditions:
Bloom syndrome (BLM). Also called: Bloom-Torre-Machacek syndrome. Identifiers: Orphanet 125, MedGen C0005859, MONDO:0008876, OMIM 210900.

Submission:

Labcorp Genetics (formerly Invitae), Labcorp
Classification: Pathogenic for Bloom syndrome. Last evaluated: 2023-06-16. Review status: criteria provided, single submitter. Criteria: Invitae Variant Classification Sherloc (09022015). Collection method: clinical testing. Allele origin: germline.
Comment: This sequence change creates a premature translational stop signal (p.Asp957Serfs*13) in the BLM gene. It is expected to result in an absent or disrupted protein product. Loss-of-function variants in BLM are known to be pathogenic (PMID: 17407155). This variant is not present in population databases (gnomAD no frequency). This variant has not been reported in the literature in individuals affected with BLM-related conditions. For these reasons, this variant has been classified as Pathogenic.

Literature cited by the submitters: PubMed 17407155.